The following is an entry in ClinVar:

ClinVar aggregate classification (germline): Likely benign (1 of 4 stars; one submission).

Submission:

CeGaT Center for Human Genetics Tuebingen
Classification: Likely benign. Last evaluated: 2026-09-01. Review status: criteria provided, single submitter. Criteria: CeGaT Center For Human Genetics Tuebingen Variant Classification Criteria Version 2. Collection method: clinical testing. Allele origin: germline. Affected: yes. Observed: 1 variant allele.
Comment: SGSM3: BP4, BP7

NM_015705.6(SGSM3):c.450C>T (p.Asn150=)

Gene: SGSM3 (small G protein signaling modulator 3; plus strand). Cytogenetic location: 22q13.1.
Variant type: single nucleotide variant.
Coding change: c.450C>T on transcript NM_015705.6 (MANE Select); coding-DNA position 450, C replaced by T.
Protein change: p.Asn150=; no amino-acid change (asparagine 150 retained).
Molecular consequence: synonymous variant. On other transcripts: 5 prime UTR variant (1), non-coding transcript variant (4).
Genome position (GRCh38, 1-based): chr22:40,404,640, C>T. VCF-style: chr22-40404640-C-T. GRCh37 (hg19) VCF-style: chr22-40800644-C-T.
Other names: c.261C>T, p.Asn87= (NM_001301849.2, NM_001350042.2, NM_001350044.2 and 1 more transcripts); c.450C>T, p.Asn150= (NM_001350039.2, NM_001350040.2, NM_001350041.2); c.249C>T, p.Asn83= (NM_001350043.2, NM_001350046.2, NM_001350047.2); c.-96C>T (NM_001350048.2).
Identifiers: ClinVar variation 5041254 (VCV005041254.1).